The following is an entry in ClinVar:

ClinVar aggregate classification (germline): Pathogenic. Review status: criteria provided, multiple submitters, no conflicts (2 of 4 stars). 3 submissions from 3 submitters: Pathogenic (2). 1 of the submissions does not count toward it. Last evaluated 2025-02-03.

Conditions:
ABCA4-related disorder. Also called: ABCA4-related disorders; ABCA4-related condition. Identifiers: MedGen CN239167.
Stargardt disease 3. Also called: MACULAR DYSTROPHY WITH FLECKS, TYPE 3; STARGARDT-LIKE MACULAR DYSTROPHY, AUTOSOMAL DOMINANT. Identifiers: Orphanet 827, MedGen C1838644, MONDO:0010819, OMIM 600110.

Allele frequency attached by ClinVar (database versions not stated): gnomAD exomes below 0.00001.

Submissions (3):

Labcorp Genetics (formerly Invitae), Labcorp
Classification: Pathogenic. Last evaluated: 2025-02-03. Review status: criteria provided, single submitter. Criteria: Invitae Variant Classification Sherloc (09022015). Collection method: clinical testing. Allele origin: germline.
Comment: This sequence change creates a premature translational stop signal (p.Trp589*) in the ABCA4 gene. It is expected to result in an absent or disrupted protein product. Loss-of-function variants in ABCA4 are known to be pathogenic (PMID: 10958761, 24938718, 25312043, 26780318). This variant is not present in population databases (gnomAD no frequency). This premature translational stop signal has been observed in individual(s) with Stargardt disease (PMID: 23755871). ClinVar contains an entry for this variant (Variation ID: 1386202). For these reasons, this variant has been classified as Pathogenic.

Blueprint Genetics
Classification: Pathogenic for ABCA4-related disorders. Last evaluated: 2023-08-04. Review status: criteria provided, single submitter. Criteria: ACMG Guidelines, 2015. Collection method: clinical testing. Allele origin: germline. Affected: yes. Observed: 3 variant alleles.

Ophthalmo-Genetics Lab, Instituto de Oftalmologia Conde de Valenciana
Classification: Pathogenic for Stargardt disease 3. Review status: no assertion criteria provided. Collection method: research. Allele origin: germline. Inheritance: Autosomal recessive inheritance. Affected: yes. Not counted in ClinVar's aggregate classification.

Literature cited by the submitters: PubMed 10958761 (cited by Labcorp Genetics (formerly Invitae), Labcorp); PubMed 24938718 (cited by Labcorp Genetics (formerly Invitae), Labcorp); PubMed 25312043 (cited by Labcorp Genetics (formerly Invitae), Labcorp); PubMed 26780318 (cited by Labcorp Genetics (formerly Invitae), Labcorp and Ophthalmo-Genetics Lab, Instituto de Oftalmologia Conde de Valenciana); PubMed 23755871 (cited by Labcorp Genetics (formerly Invitae), Labcorp).

NM_000350.3(ABCA4):c.1766G>A (p.Trp589Ter)

Gene: ABCA4 (ATP binding cassette subfamily A member 4; minus strand). Cytogenetic location: 1p22.1.
Variant type: single nucleotide variant.
Coding change: c.1766G>A on transcript NM_000350.3 (MANE Select); coding-DNA position 1766, G replaced by A.
Protein change: p.Trp589Ter; replaces tryptophan 589 with a stop codon.
Molecular consequence: nonsense.
Genome position (GRCh38, 1-based): chr1:94,062,748, C>T on the plus strand (G>A on the coding strand, the complement: ABCA4 is on the minus strand). VCF-style: chr1-94062748-C-T. GRCh37 (hg19) VCF-style: chr1-94528304-C-T.
Other names: c.1766G>A, p.Trp589Ter (NM_001425324.1); short protein forms W589*.
Identifiers: ClinVar variation 1386202 (VCV001386202.8), dbSNP rs2101078482, ClinGen allele CA341279797.
Genomic context (GRCh38, chr1:94,062,748, plus strand): 5'-GCAAACCCGCCCCAGATGTACCGGAAATCTTCCACGGGATCAGCTCTGGGACCAGAATCC[C>T]AATACCTGAGAAGACACAGAGGGACAAAGGATGGGAACGGGCTTGGATAGCTCACTCACA-3'